The following is an entry in ClinVar:

NM_000426.4(LAMA2):c.380_381delinsGA (p.Thr127Arg)

Gene: LAMA2 (laminin subunit alpha 2; plus strand). Cytogenetic location: 6q22.33.
Variant type: Indel.
Coding change: c.380_381delinsGA on transcript NM_000426.4 (MANE Select); coding-DNA positions 380 to 381, CC replaced by GA.
Protein change: p.Thr127Arg; replaces threonine 127 with arginine.
Molecular consequence: missense variant.
Genome position (GRCh38, 1-based): chr6:129,059,880-129,059,881, CC replaced by GA. VCF-style: chr6-129059880-CC-GA. GRCh37 (hg19) VCF-style: chr6-129381025-CC-GA.
Other names: c.380_381delinsGA, p.Thr127Arg (NM_001079823.2); short protein forms T127R.
Identifiers: ClinVar variation 1347392 (VCV001347392.3), dbSNP rs2114795656, ClinGen allele CA2573140433.
Genomic context (GRCh38, chr6:129,059,880, plus strand): 5'-ACACTTGGTGGCAGAGTCCCAGTATTAAGAATGGAATCGAATACCATTATGTGACAATTA[CC>GA]CTGGATTTACAGCAGGTATAGTTCCTCTTTTTTTGTCATTTCCACTTTTGAAATTGCATT-3'
Protein context (NP_000417.3, residues 117-137): NGIEYHYVTI[Thr127Arg]LDLQQVFQIA

ClinVar aggregate classification (germline): Uncertain significance (1 of 4 stars; one submission).

Conditions:
LAMA2-related muscular dystrophy (LAMA2-RD). Also called: Laminin alpha 2-related dystrophy. Identifiers: MedGen C5679788, MONDO:0100228.

Submission:

Labcorp Genetics (formerly Invitae), Labcorp
Classification: Uncertain significance for LAMA2-related muscular dystrophy. Last evaluated: 2021-10-13. Review status: criteria provided, single submitter. Criteria: Invitae Variant Classification Sherloc (09022015). Collection method: clinical testing. Allele origin: germline.
Comment: This sequence change replaces threonine with arginine at codon 127 of the LAMA2 protein (p.Thr127Arg). The threonine residue is moderately conserved and there is a moderate physicochemical difference between threonine and arginine. The frequency data for this variant in the population databases is not available, as this variant may be reported as separate entries in the ExAC database. This variant has not been reported in the literature in individuals affected with LAMA2-related conditions. Algorithms developed to predict the effect of missense changes on protein structure and function are either unavailable or do not agree on the potential impact of this missense change (SIFT: "Not Available"; PolyPhen-2: "Probably Damaging"; Align-GVGD: "Not Available"). Algorithms developed to predict the effect of sequence changes on RNA splicing suggest that this variant may create or strengthen a splice site. In summary, the available evidence is currently insufficient to determine the role of this variant in disease. Therefore, it has been classified as a Variant of Uncertain Significance.